The following is an entry in ClinVar:

ClinVar aggregate classification (germline): Uncertain significance (1 of 4 stars; one submission).

Allele frequency attached by ClinVar (database versions not stated): gnomAD 0.00001.

Submission:

Labcorp Genetics (formerly Invitae), Labcorp
Classification: Uncertain significance. Last evaluated: 2023-01-30. Review status: criteria provided, single submitter. Criteria: Invitae Variant Classification Sherloc (09022015). Collection method: clinical testing. Allele origin: germline.
Comment: This variant has not been reported in the literature in individuals affected with COL2A1-related conditions. This variant is not present in population databases (gnomAD no frequency). This sequence change replaces arginine, which is basic and polar, with serine, which is neutral and polar, at codon 755 of the COL2A1 protein (p.Arg755Ser). In summary, the available evidence is currently insufficient to determine the role of this variant in disease. Therefore, it has been classified as a Variant of Uncertain Significance. Algorithms developed to predict the effect of missense changes on protein structure and function (SIFT, PolyPhen-2, Align-GVGD) all suggest that this variant is likely to be disruptive.

NM_001844.5(COL2A1):c.2265G>T (p.Arg755Ser)

Gene: COL2A1 (collagen type II alpha 1 chain; minus strand). Cytogenetic location: 12q13.11.
Variant type: single nucleotide variant.
Coding change: c.2265G>T on transcript NM_001844.5 (MANE Select); coding-DNA position 2265, G replaced by T.
Protein change: p.Arg755Ser; replaces arginine 755 with serine.
Molecular consequence: missense variant.
Genome position (GRCh38, 1-based): chr12:47,982,538, C>A on the plus strand (G>T on the coding strand, the complement: COL2A1 is on the minus strand). VCF-style: chr12-47982538-C-A. GRCh37 (hg19) VCF-style: chr12-48376321-C-A.
Other names: c.2058G>T, p.Arg686Ser (NM_033150.3); short protein forms R755S, R686S.
Identifiers: ClinVar variation 2830245 (VCV002830245.3), dbSNP rs1939153742, ClinGen allele CA384546017.